The following is an entry in ClinVar:

ClinVar aggregate classification (germline): Conflicting classifications of pathogenicity. Review status: criteria provided, conflicting classifications (1 of 4 stars). 7 submissions from 7 submitters: Uncertain significance (5); Likely benign (2). Last evaluated 2026-01-20.

Conditions:
Inborn genetic diseases. Identifiers: MedGen C0950123, MeSH D030342.
CC2D1A-related disorder. Also called: CC2D1A-related condition.
Intellectual developmental disorder, autosomal recessive 3. Also called: Intellectual disability, autosomal recessive 3. Identifiers: Orphanet 88616, MedGen C1838023, MONDO:0012037, OMIM 608443.

Allele frequency attached by ClinVar (database versions not stated): ExAC 0.00042; gnomAD 0.00060 and 0.00062; TOPMed 0.00071; 1000 Genomes Project 0.00080; ESP Exome Variant Server 0.00089; 1000 Genomes Project 30x 0.00094.
gnomAD v4.1: 588 of 1,612,998 alleles (0.036%); highest among the groups gnomAD compares: African/African-American, 0.18%; 1 homozygote.

Submissions (7):

PreventionGenetics, part of Exact Sciences
Classification: Likely benign for CC2D1A-related condition. Last evaluated: 2026-01-20. Review status: criteria provided, single submitter. Criteria: ACMG Guidelines, 2015. Collection method: clinical testing. Allele origin: germline.
Comment: This variant is classified as likely benign based on ACMG/AMP sequence variant interpretation guidelines (Richards et al. 2015 PMID: 25741868, with internal and published modifications).

Labcorp Genetics (formerly Invitae), Labcorp
Classification: Likely benign. Last evaluated: 2025-06-03. Review status: criteria provided, single submitter. Criteria: Invitae Variant Classification Sherloc (09022015). Collection method: clinical testing. Allele origin: germline.

Women's Health and Genetics/Laboratory Corporation of America, LabCorp
Classification: Uncertain significance. Last evaluated: 2023-09-08. Review status: criteria provided, single submitter. Criteria: LabCorp Variant Classification Summary - May 2015. Collection method: clinical testing. Allele origin: germline.
Comment: Variant summary: CC2D1A c.1192G>A (p.Val398Met) results in a conservative amino acid change located in the third DM14 domain (IPR006608) of the encoded protein sequence. Three of five in-silico tools predict a damaging effect of the variant on protein function. The variant allele was found at a frequency of 0.00034 in 246804 control chromosomes, predominantly at a frequency of 0.0021 within the African or African-American subpopulation in the gnomAD database. The relatively high subpopulation frequency might suggest a benign role for this variant. To our knowledge, no occurrence of c.1192G>A in individuals affected with Intellectual Disability 3 and no experimental evidence demonstrating its impact on protein function have been reported. Four submitters have cited clinical-significance assessments for this variant to ClinVar after 2014, and classified the variant as VUS (n=3) or likely benign (n=1). Based on the evidence outlined above, the variant was classified as VUS-possibly benign.

Revvity Omics, Revvity
Classification: Uncertain significance for Intellectual developmental disorder, autosomal recessive 3. Last evaluated: 2022-09-08. Review status: criteria provided, single submitter. Criteria: ACMG Guidelines, 2015. Collection method: clinical testing. Allele origin: germline.

Baylor Genetics
Classification: Uncertain significance for Intellectual developmental disorder, autosomal recessive 3. Last evaluated: 2020-10-16. Review status: criteria provided, single submitter. Criteria: ACMG Guidelines, 2015. Collection method: clinical testing. Allele origin: unknown. Affected: yes.
Comment: This variant was determined to be of uncertain significance according to ACMG Guidelines, 2015 [PMID:25741868].

Ambry Genetics
Classification: Uncertain significance for Inborn genetic diseases. Last evaluated: 2019-08-01. Review status: criteria provided, single submitter. Criteria: Ambry Variant Classification Scheme 2023. Collection method: clinical testing. Allele origin: germline.
Comment: The p.V398M variant (also known as c.1192G>A), located in coding exon 11 of the CC2D1A gene, results from a G to A substitution at nucleotide position 1192. The valine at codon 398 is replaced by methionine, an amino acid with highly similar properties. This amino acid position is highly conserved in available vertebrate species. In addition, the in silico prediction for this alteration is inconclusive. Since supporting evidence is limited at this time, the clinical significance of this alteration remains unclear.

Genetic Services Laboratory, University of Chicago
Classification: Uncertain significance. Last evaluated: 2014-03-21. Review status: criteria provided, single submitter. Criteria: ACMG Guidelines, 2007. Collection method: clinical testing. Allele origin: germline. Inheritance: Autosomal recessive inheritance.

NM_017721.5(CC2D1A):c.1192G>A (p.Val398Met)

Gene: CC2D1A (coiled-coil and C2 domain containing 1A; plus strand). Cytogenetic location: 19p13.12.
Variant type: single nucleotide variant.
Coding change: c.1192G>A on transcript NM_017721.5 (MANE Select); coding-DNA position 1192, G replaced by A.
Protein change: p.Val398Met; replaces valine 398 with methionine.
Molecular consequence: missense variant.
Genome position (GRCh38, 1-based): chr19:13,919,172, G>A. VCF-style: chr19-13919172-G-A. GRCh37 (hg19) VCF-style: chr19-14029985-G-A.
Other names: short protein forms V398M.
Identifiers: ClinVar variation 128614 (VCV000128614.21), dbSNP rs201177183, ClinGen allele CA230956.
Genomic context (GRCh38, chr19:13,919,172, plus strand): 5'-CACCTGTGGCCCTCGCAGCAATACCAAGATGCCATCCGAGCCCACAAGGCTGGCCGAGCC[G>A]TGGATGTCGCTGAATTGCCCGTGCCCCCAGGTAGGCCTTGCCCCTGTAGGCCTCGCCCCA-3'
Protein context (NP_060191.3, residues 388-408): AIRAHKAGRA[Val398Met]DVAELPVPPG